The following is an entry in ClinVar:

NM_001291415.2(KDM6A):c.1829T>C (p.Val610Ala)

Gene: KDM6A (lysine demethylase 6A; plus strand). Cytogenetic location: Xp11.3.
Variant type: single nucleotide variant.
Coding change: c.1829T>C on transcript NM_001291415.2 (MANE Select); coding-DNA position 1829, T replaced by C.
Protein change: p.Val610Ala; replaces valine 610 with alanine.
Molecular consequence: missense variant. On other transcripts: non-coding transcript variant (1).
Genome position (GRCh38, 1-based): chrX:45,063,567, T>C. VCF-style: chrX-45063567-T-C. GRCh37 (hg19) VCF-style: chrX-44922812-T-C.
Other names: c.1694T>C, p.Val565Ala (NM_001291416.2, NM_001419811.1); c.1538T>C, p.Val513Ala (NM_001291417.2); c.1436T>C, p.Val479Ala (NM_001291418.2, NM_001419815.1); c.785T>C, p.Val262Ala (NM_001291421.2); c.1571T>C, p.Val524Ala (NM_001410742.1, NM_001419814.1); c.1829T>C, p.Val610Ala (NM_001419809.1); c.1727T>C, p.Val576Ala (NM_001419810.1, NM_001419813.1); c.1673T>C, p.Val558Ala (NM_001419812.1, NM_021140.4); short protein forms V479A, V513A, V524A, V558A, V262A, V565A, V576A, V610A.
Identifiers: ClinVar variation 2908904 (VCV002908904.3), dbSNP rs2147993312, ClinGen allele CA412788770.

ClinVar aggregate classification (germline): Uncertain significance (1 of 4 stars; one submission).

Conditions:
Kabuki syndrome 2 (KABUK2). Also called: KDM6A-Related Kabuki Syndrome. Identifiers: Orphanet 2322, MedGen C3275495, MONDO:0010465, OMIM 300867.

gnomAD v4.1: 2 of 1,211,124 alleles (0.00017%); no homozygotes.

Submission:

Labcorp Genetics (formerly Invitae), Labcorp
Classification: Uncertain significance for Kabuki syndrome 2. Last evaluated: 2023-11-07. Review status: criteria provided, single submitter. Criteria: Invitae Variant Classification Sherloc (09022015). Collection method: clinical testing. Allele origin: germline.
Comment: This sequence change replaces valine, which is neutral and non-polar, with alanine, which is neutral and non-polar, at codon 558 of the KDM6A protein (p.Val558Ala). This variant is not present in population databases (gnomAD no frequency). This variant has not been reported in the literature in individuals affected with KDM6A-related conditions. Advanced modeling of protein sequence and biophysical properties (such as structural, functional, and spatial information, amino acid conservation, physicochemical variation, residue mobility, and thermodynamic stability) performed at Invitae indicates that this missense variant is not expected to disrupt KDM6A protein function with a negative predictive value of 80%. In summary, the available evidence is currently insufficient to determine the role of this variant in disease. Therefore, it has been classified as a Variant of Uncertain Significance.